The following is an entry in ClinVar:

ClinVar aggregate classification (germline): Likely benign (1 of 4 stars; one submission).

Conditions:
F7-related disorder. Also called: F7-related condition.

gnomAD v4.1: 74 of 1,612,332 alleles (0.0046%); highest among the groups gnomAD compares: Non-Finnish European, 0.0061%; no homozygotes.

Submission:

PreventionGenetics, part of Exact Sciences
Classification: Likely benign for F7-related condition. Last evaluated: 2025-06-06. Review status: criteria provided, single submitter. Criteria: ACMG Guidelines, 2015. Collection method: clinical testing. Allele origin: germline.
Comment: This variant is classified as likely benign based on ACMG/AMP sequence variant interpretation guidelines (Richards et al. 2015 PMID: 25741868, with internal and published modifications).

NM_019616.4(F7):c.1218C>T (p.Cys406=)

Gene: F7 (coagulation factor VII; plus strand). Cytogenetic location: 13q34.
Variant type: single nucleotide variant.
Coding change: c.1218C>T on transcript NM_019616.4 (MANE Select); coding-DNA position 1218, C replaced by T.
Protein change: p.Cys406=; no amino-acid change (cysteine 406 retained).
Molecular consequence: synonymous variant. On other transcripts: non-coding transcript variant (1).
Genome position (GRCh38, 1-based): chr13:113,118,891, C>T. VCF-style: chr13-113118891-C-T. GRCh37 (hg19) VCF-style: chr13-113773205-C-T.
Other names: c.1284C>T, p.Cys428= (NM_000131.5); c.1032C>T, p.Cys344= (NM_001267554.2).
Identifiers: ClinVar variation 4981765 (VCV004981765.1).